The following is an entry in ClinVar:

NM_052867.4(NALCN):c.3581C>T (p.Pro1194Leu)

Gene: NALCN (sodium leak channel, non-selective; minus strand). Cytogenetic location: 13q32.3.
Variant type: single nucleotide variant.
Coding change: c.3581C>T on transcript NM_052867.4 (MANE Select); coding-DNA position 3581, C replaced by T.
Protein change: p.Pro1194Leu; replaces proline 1194 with leucine.
Molecular consequence: missense variant.
Genome position (GRCh38, 1-based): chr13:101,083,713, G>A on the plus strand (C>T on the coding strand, the complement: NALCN is on the minus strand). VCF-style: chr13-101083713-G-A. GRCh37 (hg19) VCF-style: chr13-101736064-G-A.
Other names: c.3668C>T, p.Pro1223Leu (NM_001350748.2); c.3581C>T, p.Pro1194Leu (NM_001350749.2); c.3494C>T, p.Pro1165Leu (NM_001350750.2, NM_001350751.2); short protein forms P1165L, P1194L, P1223L.
Identifiers: ClinVar variation 3367991 (VCV003367991.1).

ClinVar aggregate classification (germline): Uncertain significance (1 of 4 stars; one submission).

gnomAD v4.1: 3 of 1,613,216 alleles (0.00019%); highest among the groups gnomAD compares: Non-Finnish European, 0.00025%; no homozygotes.

Submission:

GeneDx
Classification: Uncertain significance. Last evaluated: 2024-01-18. Review status: criteria provided, single submitter. Criteria: GeneDx Variant Classification Process June 2021. Collection method: clinical testing. Allele origin: germline. Affected: yes.
Comment: Not observed at significant frequency in large population cohorts (gnomAD); In silico analysis supports that this missense variant has a deleterious effect on protein structure/function; Has not been previously published as pathogenic or benign to our knowledge